The following is an entry in ClinVar:

ClinVar aggregate classification (germline): Likely benign (1 of 4 stars; one submission).

Submission:

CeGaT Center for Human Genetics Tuebingen
Classification: Likely benign. Last evaluated: 2026-09-01. Review status: criteria provided, single submitter. Criteria: CeGaT Center For Human Genetics Tuebingen Variant Classification Criteria Version 2. Collection method: clinical testing. Allele origin: germline. Affected: yes. Observed: 1 variant allele.
Comment: DNAJC21: BP4, BP7

NM_001012339.3(DNAJC21):c.96G>A (p.Pro32=)

Genes: DNAJC21 (DnaJ heat shock protein family (Hsp40) member C21; plus strand), LOC129993792 (ATAC-STARR-seq lymphoblastoid silent region 15969; plus strand). Cytogenetic location: 5p13.2.
Variant type: single nucleotide variant.
Coding change: c.96G>A on transcript NM_001012339.3 (MANE Select); coding-DNA position 96, G replaced by A.
Protein change: p.Pro32=; no amino-acid change (proline 32 retained).
Molecular consequence: synonymous variant.
Genome position (GRCh38, 1-based): chr5:34,929,915, G>A. VCF-style: chr5-34929915-G-A. GRCh37 (hg19) VCF-style: chr5-34930020-G-A.
Other names: c.96G>A, p.Pro32= (NM_001348420.2, NM_194283.4).
Identifiers: ClinVar variation 5041708 (VCV005041708.1).